The following is an entry in ClinVar:

ClinVar aggregate classification (germline): Pathogenic. Review status: criteria provided, multiple submitters, no conflicts (2 of 4 stars). 2 submissions from 2 submitters: Pathogenic (2). Last evaluated 2025-09-22.

Conditions:
Cowden syndrome 3 (CWS3). Identifiers: Orphanet 201, MedGen CN166604, MONDO:0014045.
Pheochromocytoma. Also called: MAX-Related Hereditary Paraganglioma-Pheochromocytoma Syndrome. Identifiers: Orphanet 29072, MedGen C0031511, MONDO:0008233, OMIM 171300, HP:0002666.
Carney-Stratakis syndrome. Also called: PARAGANGLIOMA AND GASTROINTESTINAL STROMAL TUMOR. Identifiers: Orphanet 97286, MedGen C1847319, MONDO:0011740, OMIM 606864.
Paragangliomas with sensorineural hearing loss. Identifiers: MedGen C1868633.

Submissions (2):

Labcorp Genetics (formerly Invitae), Labcorp
Classification: Pathogenic for Carney-Stratakis syndrome; Paragangliomas with sensorineural hearing loss; Pheochromocytoma; Cowden syndrome 3. Last evaluated: 2025-09-22. Review status: criteria provided, single submitter. Criteria: Invitae Variant Classification Sherloc (09022015). Collection method: clinical testing. Allele origin: germline.
Comment: This sequence change creates a premature translational stop signal (p.Ile49Thrfs*38) in the SDHD gene. It is expected to result in an absent or disrupted protein product. Loss-of-function variants in SDHD are known to be pathogenic (PMID: 19454582, 19802898). This variant is not present in population databases (gnomAD no frequency). This premature translational stop signal has been observed in individual(s) with SDHD-related conditions (PMID: 29386252). For these reasons, this variant has been classified as Pathogenic.

GeneDx
Classification: Pathogenic. Last evaluated: 2025-06-06. Review status: criteria provided, single submitter. Criteria: GeneDx Variant Classification Process June 2021. Collection method: clinical testing. Allele origin: germline. Affected: yes.
Comment: Frameshift variant predicted to result in protein truncation or nonsense mediated decay in a gene for which loss of function is a known mechanism of disease; Not observed at significant frequency in large population cohorts (gnomAD); This variant is associated with the following publications: (PMID: 40063004)

Literature cited by the submitters: PubMed 19454582 (cited by Labcorp Genetics (formerly Invitae), Labcorp); PubMed 19802898 (cited by Labcorp Genetics (formerly Invitae), Labcorp); PubMed 29386252 (cited by Labcorp Genetics (formerly Invitae), Labcorp).

NM_003002.4(SDHD):c.144_145dup (p.Ile49fs)

Gene: SDHD (succinate dehydrogenase complex subunit D; plus strand). Cytogenetic location: 11q23.1.
Variant type: Microsatellite.
Coding change: c.144_145dup on transcript NM_003002.4 (MANE Select); coding-DNA positions 144 to 145, 2 bases duplicated (CA; older notation c.144_145dupCA).
Protein change: p.Ile49fs; shifts the reading frame from isoleucine 49.
Molecular consequence: frameshift variant. On other transcripts: non-coding transcript variant (1), intron variant (1).
Genome position (GRCh38, 1-based): chr11:112,087,948-112,087,949, CA duplicated; duplicating any 2 consecutive bases within chr11:112,087,946-112,087,949 gives the same sequence; the c. name uses the placement nearest the transcript's 3' end. VCF-style (leftmost placement, unchanged base first): chr11-112087945-G-GCA. GRCh37 (hg19) VCF-style: chr11-111958669-G-GCA.
Other names: c.144_145dup, p.Ile49fs (NM_001276503.2, NM_001276506.2); c.53-921CA[3] (NM_001276504.2); short protein forms I49fs.
Identifiers: ClinVar variation 4537781 (VCV004537781.2).